The following is an entry in ClinVar:

NM_002971.6(SATB1):c.1745C>A (p.Pro582His)

Gene: SATB1 (SATB homeobox 1; minus strand). Cytogenetic location: 3p24.3.
Variant type: single nucleotide variant.
Coding change: c.1745C>A on transcript NM_002971.6 (MANE Select); coding-DNA position 1745, C replaced by A.
Protein change: p.Pro582His; replaces proline 582 with histidine.
Molecular consequence: missense variant.
Genome position (GRCh38, 1-based): chr3:18,352,026, G>T on the plus strand (C>A on the coding strand, the complement: SATB1 is on the minus strand). VCF-style: chr3-18352026-G-T. GRCh37 (hg19) VCF-style: chr3-18393518-G-T.
Other names: c.1745C>A, p.Pro582His (NM_001131010.4, NM_001195470.3, NM_001322871.2 and 4 more transcripts); c.1529C>A, p.Pro510His (NM_001322876.2); short protein forms P510H, P582H.
Identifiers: ClinVar variation 2503404 (VCV002503404.1), dbSNP rs2470412031, ClinGen allele CA351854536.

ClinVar aggregate classification (germline): Uncertain significance (1 of 4 stars; one submission).

Submission:

GeneDx
Classification: Uncertain significance. Last evaluated: 2022-11-28. Review status: criteria provided, single submitter. Criteria: GeneDx Variant Classification Process June 2021. Collection method: clinical testing. Allele origin: germline. Affected: yes.
Comment: Not observed at significant frequency in large population cohorts (gnomAD); In silico analysis supports that this missense variant does not alter protein structure/function; Has not been previously published as pathogenic or benign to our knowledge